The following is an entry in ClinVar:

ClinVar aggregate classification (germline): Likely benign. Review status: criteria provided, multiple submitters, no conflicts (2 of 4 stars). 2 submissions from 2 submitters: Likely benign (2). Last evaluated 2026-01-30.

Conditions:
Tuberous sclerosis 2 (TSC2). Identifiers: Orphanet 805, MedGen C1860707, MONDO:0013199, OMIM 613254.

Allele frequency attached by ClinVar (database versions not stated): gnomAD exomes 0.00001.
gnomAD v4.1: 3 of 1,613,988 alleles (0.00019%); highest among the groups gnomAD compares: Admixed American, 0.0033%; no homozygotes.

Submissions (2):

Labcorp Genetics (formerly Invitae), Labcorp
Classification: Likely benign for Tuberous sclerosis 2. Last evaluated: 2026-01-30. Review status: criteria provided, single submitter. Criteria: Invitae Variant Classification Sherloc (09022015). Collection method: clinical testing. Allele origin: germline.

Myriad Genetics, Inc.
Classification: Likely benign for Tuberous sclerosis 2. Last evaluated: 2025-05-13. Review status: criteria provided, single submitter. Criteria: Myriad Autosomal Dominant, Autosomal Recessive and X-Linked Classification Criteria (2023). Collection method: clinical testing. Allele origin: unknown.
Comment: This variant is considered likely benign. This variant is intronic and is not expected to impact mRNA splicing.

NM_000548.5(TSC2):c.1257+9C>T

Gene: TSC2 (TSC complex subunit 2; plus strand). Cytogenetic location: 16p13.3.
Variant type: single nucleotide variant.
Coding change: c.1257+9C>T on transcript NM_000548.5 (MANE Select); 9 bases into the intron after coding-DNA position 1257, C replaced by T.
Molecular consequence: intron variant.
Genome position (GRCh38, 1-based): chr16:2,062,017, C>T. VCF-style: chr16-2062017-C-T. GRCh37 (hg19) VCF-style: chr16-2112018-C-T.
Other names: c.1257+9C>T (NM_001114382.3, NM_021055.3, NM_001370405.1 and 3 more transcripts); c.1146+9C>T (NM_001318827.2); c.657+9C>T (NM_001318831.2); c.1110+9C>T (NM_001318829.2); c.1290+9C>T (NM_001318832.2).
Identifiers: ClinVar variation 1082560 (VCV001082560.10), dbSNP rs1166139497, ClinGen allele CA620704812.